The following is an entry in ClinVar:

NM_001041.4(SI):c.275G>C (p.Gly92Ala)

Gene: SI (sucrase-isomaltase; minus strand). Cytogenetic location: 3q26.1.
Variant type: single nucleotide variant.
Coding change: c.275G>C on transcript NM_001041.4 (MANE Select); coding-DNA position 275, G replaced by C.
Protein change: p.Gly92Ala; replaces glycine 92 with alanine.
Molecular consequence: missense variant.
Genome position (GRCh38, 1-based): chr3:165,069,176, C>G on the plus strand (G>C on the coding strand, the complement: SI is on the minus strand). VCF-style: chr3-165069176-C-G. GRCh37 (hg19) VCF-style: chr3-164786964-C-G.
Other names: short protein forms G92A.
Identifiers: ClinVar variation 1449677 (VCV001449677.6), dbSNP rs1472425299, ClinGen allele CA355035784.

ClinVar aggregate classification (germline): Uncertain significance (1 of 4 stars; one submission).

Allele frequency attached by ClinVar (database versions not stated): gnomAD 0.00001.
gnomAD v4.1: 1 of 1,611,378 alleles (0.000062%); highest among the groups gnomAD compares: African/African-American, 0.0013%; no homozygotes.

Submission:

Labcorp Genetics (formerly Invitae), Labcorp
Classification: Uncertain significance. Last evaluated: 2024-05-13. Review status: criteria provided, single submitter. Criteria: Invitae Variant Classification Sherloc (09022015). Collection method: clinical testing. Allele origin: germline.
Comment: This sequence change replaces glycine, which is neutral and non-polar, with alanine, which is neutral and non-polar, at codon 92 of the SI protein (p.Gly92Ala). This variant is not present in population databases (gnomAD no frequency). This variant has not been reported in the literature in individuals affected with SI-related conditions. ClinVar contains an entry for this variant (Variation ID: 1449677). Advanced modeling of protein sequence and biophysical properties (such as structural, functional, and spatial information, amino acid conservation, physicochemical variation, residue mobility, and thermodynamic stability) has been performed at Invitae for this missense variant, however the output from this modeling did not meet the statistical confidence thresholds required to predict the impact of this variant on SI protein function. In summary, the available evidence is currently insufficient to determine the role of this variant in disease. Therefore, it has been classified as a Variant of Uncertain Significance.